The following is an entry in ClinVar:

NM_001322934.2(NFKB2):c.1828G>A (p.Ala610Thr)

Gene: NFKB2 (nuclear factor kappa B subunit 2; plus strand). Cytogenetic location: 10q24.32.
Variant type: single nucleotide variant.
Coding change: c.1828G>A on transcript NM_001322934.2 (MANE Select); coding-DNA position 1828, G replaced by A.
Protein change: p.Ala610Thr; replaces alanine 610 with threonine.
Molecular consequence: missense variant.
Genome position (GRCh38, 1-based): chr10:102,400,684, G>A. VCF-style: chr10-102400684-G-A. GRCh37 (hg19) VCF-style: chr10-104160441-G-A.
Other names: c.1828G>A, p.Ala610Thr (NM_001261403.3, NM_001288724.1, NM_002502.6 and 2 more transcripts); c.1702G>A, p.Ala568Thr (NM_001322935.1); short protein forms A568T, A610T.
Identifiers: ClinVar variation 2724700 (VCV002724700.3), dbSNP rs1427824703, ClinGen allele CA377902569.
Genomic context (GRCh38, chr10:102,400,684, plus strand): 5'-CAGCTGCAGGTTGAGCATCCTGCATCCTTAGGACTGTATCCAGTACACCTGGCAGTCCGA[G>A]CCCGAAGCCCTGAGTGCCTGGATCTGCTGGTGGACAGTGGGGCTGAAGTGGAGGCCACAG-3'
Protein context (NP_001309863.1, residues 600-620): GLYPVHLAVR[Ala610Thr]RSPECLDLLV

ClinVar aggregate classification (germline): Uncertain significance (1 of 4 stars; one submission).

Conditions:
Immunodeficiency, common variable, 10. Also called: IMMUNODEFICIENCY, COMMON VARIABLE, WITH CENTRAL ADRENAL INSUFFICIENCY; DEFICIT IN ANTERIOR PITUITARY FUNCTION AND VARIABLE IMMUNODEFICIENCY. Identifiers: MedGen C3809991, MONDO:0014260, OMIM 615577.

Allele frequency attached by ClinVar (database versions not stated): TOPMed below 0.00001; gnomAD 0.00001; gnomAD exomes 0.00001.
gnomAD v4.1: 4 of 1,613,958 alleles (0.00025%); highest among the groups gnomAD compares: Non-Finnish European, 0.00034%; no homozygotes.

Submission:

Labcorp Genetics (formerly Invitae), Labcorp
Classification: Uncertain significance for Immunodeficiency, common variable, 10. Last evaluated: 2023-10-09. Review status: criteria provided, single submitter. Criteria: Invitae Variant Classification Sherloc (09022015). Collection method: clinical testing. Allele origin: germline.
Comment: This sequence change replaces alanine, which is neutral and non-polar, with threonine, which is neutral and polar, at codon 610 of the NFKB2 protein (p.Ala610Thr). This variant is present in population databases (no rsID available, gnomAD 0.0009%). This variant has not been reported in the literature in individuals affected with NFKB2-related conditions. An algorithm developed to predict the effect of missense changes on protein structure and function (PolyPhen-2) suggests that this variant is likely to be tolerated. In summary, the available evidence is currently insufficient to determine the role of this variant in disease. Therefore, it has been classified as a Variant of Uncertain Significance.